The following is an entry in ClinVar:

NM_025099.6(CTC1):c.2668A>G (p.Asn890Asp)

Gene: CTC1 (CST telomere replication complex component 1; minus strand). Cytogenetic location: 17p13.1.
Variant type: single nucleotide variant.
Coding change: c.2668A>G on transcript NM_025099.6 (MANE Select); coding-DNA position 2668, A replaced by G.
Protein change: p.Asn890Asp; replaces asparagine 890 with aspartic acid.
Molecular consequence: missense variant. On other transcripts: non-coding transcript variant (1).
Genome position (GRCh38, 1-based): chr17:8,231,277, T>C on the plus strand (A>G on the coding strand, the complement: CTC1 is on the minus strand). VCF-style: chr17-8231277-T-C. GRCh37 (hg19) VCF-style: chr17-8134595-T-C.
Other names: c.2668A>G, p.Asn890Asp (NM_001411067.1); short protein forms N890D.
Identifiers: ClinVar variation 2078389 (VCV002078389.5), dbSNP rs1987197996, ClinGen allele CA397975238.

ClinVar aggregate classification (germline): Uncertain significance. Review status: criteria provided, multiple submitters, no conflicts (2 of 4 stars). 2 submissions from 2 submitters: Uncertain significance (2). Last evaluated 2022-08-21.

Conditions:
Dyskeratosis congenita. Identifiers: Orphanet 1775, MedGen C0265965, MONDO:0015780.

Allele frequency attached by ClinVar (database versions not stated): gnomAD exomes below 0.00001.

Submissions (2):

Labcorp Genetics (formerly Invitae), Labcorp
Classification: Uncertain significance for Dyskeratosis congenita. Last evaluated: 2022-08-21. Review status: criteria provided, single submitter. Criteria: Invitae Variant Classification Sherloc (09022015). Collection method: clinical testing. Allele origin: germline.
Comment: In summary, the available evidence is currently insufficient to determine the role of this variant in disease. Therefore, it has been classified as a Variant of Uncertain Significance. Algorithms developed to predict the effect of sequence changes on RNA splicing suggest that this variant may disrupt the consensus splice site. Algorithms developed to predict the effect of missense changes on protein structure and function output the following: SIFT: "Tolerated"; PolyPhen-2: "Benign"; Align-GVGD: "Class C0". The aspartic acid amino acid residue is found in multiple mammalian species, which suggests that this missense change does not adversely affect protein function. This sequence change replaces asparagine, which is neutral and polar, with aspartic acid, which is acidic and polar, at codon 890 of the CTC1 protein (p.Asn890Asp). This variant is not present in population databases (gnomAD no frequency). This variant has not been reported in the literature in individuals affected with CTC1-related conditions.

Blueprint Genetics
Classification: Uncertain significance. Last evaluated: 2021-10-21. Review status: criteria provided, single submitter. Criteria: ACMG Guidelines, 2015. Collection method: clinical testing. Allele origin: germline.